The following is an entry in ClinVar:

NM_001692.4(ATP6V1B1):c.273G>A (p.Gln91=)

Gene: ATP6V1B1 (ATPase H+ transporting V1 subunit B1; plus strand). Cytogenetic location: 2p13.3.
Variant type: single nucleotide variant.
Coding change: c.273G>A on transcript NM_001692.4 (MANE Select); coding-DNA position 273, G replaced by A.
Protein change: p.Gln91=; no amino-acid change (glutamine 91 retained).
Molecular consequence: synonymous variant.
Genome position (GRCh38, 1-based): chr2:70,958,144, G>A. VCF-style: chr2-70958144-G-A. GRCh37 (hg19) VCF-style: chr2-71185274-G-A.
Identifiers: ClinVar variation 3342419 (VCV003342419.1).
Genomic context (GRCh38, chr2:70,958,144, plus strand): 5'-AGATGGGACTCAGAGGAGCGGGCAGGTGCTTGAGGTGGCTGGCACCAAGGCGATTGTTCA[G>A]GTGAGTGGGGTCAATGGGACATTGGCTAGTTAAATCAATGAATTAACCCATAAAGTTCCC-3'
Protein context (NP_001683.2, residues 81-101): LEVAGTKAIV[Gln91=]VFEGTSGIDA

ClinVar aggregate classification (germline): Uncertain significance (1 of 4 stars; one submission).

gnomAD v4.1: 4 of 1,613,928 alleles (0.00025%); highest among the groups gnomAD compares: Non-Finnish European, 0.00034%; no homozygotes.

Submission:

GeneDx
Classification: Uncertain significance. Last evaluated: 2023-07-17. Review status: criteria provided, single submitter. Criteria: GeneDx Variant Classification Process June 2021. Collection method: clinical testing. Allele origin: germline. Affected: yes.
Comment: Not observed at significant frequency in large population cohorts (gnomAD); In silico analysis supports that this variant does not alter splicing; Has not been previously published as pathogenic or benign to our knowledge